The following is an entry in ClinVar:

NC_000016.9:g.(?_2115500)_(2124410_?)del

Gene: TSC2 (TSC complex subunit 2; plus strand). Cytogenetic location: 16p13.3.
Variant type: Deletion.
Identifiers: ClinVar variation 3243451 (VCV003243451.1).

ClinVar aggregate classification (germline): Pathogenic (1 of 4 stars; one submission).

Conditions:
Tuberous sclerosis 2 (TSC2). Identifiers: Orphanet 805, MedGen C1860707, MONDO:0013199, OMIM 613254.

Submission:

Labcorp Genetics (formerly Invitae), Labcorp
Classification: Pathogenic for Tuberous sclerosis 2. Last evaluated: 2022-03-26. Review status: criteria provided, single submitter. Criteria: Invitae Variant Classification Sherloc (09022015). Collection method: clinical testing. Allele origin: unknown.
Comment: For these reasons, this variant has been classified as Pathogenic. A similar copy number variant has been observed in individual(s) with tuberous sclerosis (PMID: 11281455). This variant is a gross deletion of the genomic region encompassing exon(s) 16-22 of the TSC2 gene. This deletion is out-of-frame, and is expected to create a premature termination codon and result in an absent or disrupted protein product. Loss-of-function variants in TSC2 are known to be pathogenic (PMID: 10205261, 17304050).

Literature cited by the submitters: PubMed 11281455; PubMed 10205261; PubMed 17304050.